The following is an entry in ClinVar:

ClinVar aggregate classification (germline): Pathogenic (1 of 4 stars; one submission).

Submission:

Labcorp Genetics (formerly Invitae), Labcorp
Classification: Pathogenic. Last evaluated: 2025-12-09. Review status: criteria provided, single submitter. Criteria: Invitae Variant Classification Sherloc (09022015). Collection method: clinical testing. Allele origin: germline.
Comment: This sequence change creates a premature translational stop signal (p.Glu169*) in the CABP4 gene. It is expected to result in an absent or disrupted protein product. Loss-of-function variants in CABP4 are known to be pathogenic (PMID: 25307992). This variant is not present in population databases (gnomAD no frequency). This variant has not been reported in the literature in individuals affected with CABP4-related conditions. For these reasons, this variant has been classified as Pathogenic.

Literature cited by the submitters: PubMed 25307992.

NM_145200.5(CABP4):c.505G>T (p.Glu169Ter)

Gene: CABP4 (calcium binding protein 4; plus strand). Cytogenetic location: 11q13.2.
Variant type: single nucleotide variant.
Coding change: c.505G>T on transcript NM_145200.5 (MANE Select); coding-DNA position 505, G replaced by T.
Protein change: p.Glu169Ter; replaces glutamic acid 169 with a stop codon.
Molecular consequence: nonsense.
Genome position (GRCh38, 1-based): chr11:67,456,406, G>T. VCF-style: chr11-67456406-G-T. GRCh37 (hg19) VCF-style: chr11-67223877-G-T.
Other names: c.190G>T, p.Glu64Ter (NM_001300895.3, NM_001300896.3, NM_001379183.1); short protein forms E169*, E64*.
Identifiers: ClinVar variation 4799303 (VCV004799303.1).